The following is an entry in ClinVar:

ClinVar aggregate classification (germline): Pathogenic (1 of 4 stars; one submission).

Conditions:
Hereditary cancer-predisposing syndrome. Also called: Neoplastic Syndromes, Hereditary; Tumor predisposition; Hereditary neoplastic syndrome; Hereditary Cancer Syndrome. Identifiers: Orphanet 140162, MedGen C0027672, MeSH D009386, MONDO:0015356.

Submission:

Ambry Genetics
Classification: Pathogenic for Hereditary cancer-predisposing syndrome. Last evaluated: 2019-08-12. Review status: criteria provided, single submitter. Criteria: Ambry Variant Classification Scheme 2023. Collection method: clinical testing. Allele origin: germline.
Comment: The c.41_42dupGC pathogenic mutation, located in coding exon 1 of the MEN1 gene, results from a duplication of GC at nucleotide position 41, causing a translational frameshift with a predicted alternate stop codon (p.S15Afs*105). This alteration is expected to result in loss of function by premature protein truncation or nonsense-mediated mRNA decay. As such, this alteration is interpreted as a disease-causing mutation.

NM_001370259.2(MEN1):c.41_42dup (p.Ser15fs)

Gene: MEN1 (menin 1; minus strand). Cytogenetic location: 11q13.1.
Variant type: Microsatellite.
Coding change: c.41_42dup on transcript NM_001370259.2 (MANE Select); coding-DNA positions 41 to 42, 2 bases duplicated (GC; older notation c.41_42dupGC).
Protein change: p.Ser15fs; shifts the reading frame from serine 15.
Molecular consequence: frameshift variant.
Genome position (GRCh38, 1-based): chr11:64,810,068-64,810,069, GC duplicated on the plus strand (GC on the coding strand, the reverse complement: MEN1 is on the minus strand); duplicating any 2 consecutive bases within chr11:64,810,068-64,810,071 gives the same sequence; the c. name uses the placement nearest the transcript's 3' end. VCF-style (leftmost placement, unchanged base first): chr11-64810067-A-AGC. GRCh37 (hg19) VCF-style: chr11-64577539-A-AGC.
Other names: c.41_42dupGC (NM_130799.2); c.41_42dup, p.Ser15fs (NM_000244.4, NM_001370251.2, NM_001370260.2 and 9 more transcripts); short protein forms S15fs.
Identifiers: ClinVar variation 824594 (VCV000824594.5), dbSNP rs1592660983, ClinGen allele CA915948191.